The following is an entry in ClinVar:

NM_005122.5(NR1I3):c.*84C>T

Genes: NR1I3 (nuclear receptor subfamily 1 group I member 3; minus strand), TOMM40L (translocase of outer mitochondrial membrane 40 like; plus strand). Cytogenetic location: 1q23.3.
Variant type: single nucleotide variant.
Coding change: c.*84C>T on transcript NM_005122.5 (MANE Select); 84 bases downstream of the stop codon, C replaced by T.
Molecular consequence: 3 prime UTR variant. On other transcripts: missense variant (7).
Genome position (GRCh38, 1-based): chr1:161,229,713, G>A on the plus strand (C>T on the coding strand, the complement: NR1I3 is on the minus strand). VCF-style: chr1-161229713-G-A. GRCh37 (hg19) VCF-style: chr1-161199503-G-A.
Other names: c.*618G>A (NM_001286373.2, NM_001286374.2, NM_032174.6); c.992C>T, p.Pro331Leu (NM_001077469.3); c.*84C>T (NM_001077470.3, NM_001077471.3, NM_001077472.3 and 4 more transcripts); c.917C>T, p.Pro306Leu (NM_001077473.3); c.860C>T, p.Pro287Leu (NM_001077474.3); c.773C>T, p.Pro258Leu (NM_001077475.3); c.905C>T, p.Pro302Leu (NM_001077476.3); c.890C>T, p.Pro297Leu (NM_001077477.3); and 1 more; short protein forms P258L, P287L, P297L, P302L, P306L, P330L, P331L.
Identifiers: ClinVar variation 2639508 (VCV002639508.24), dbSNP rs201243903, ClinGen allele CA1209581.

ClinVar aggregate classification (germline): Likely benign (1 of 4 stars; one submission).

Allele frequency attached by ClinVar (database versions not stated): gnomAD 0.00005; TOPMed 0.00005; ESP Exome Variant Server 0.00008; 1000 Genomes Project 30x 0.00016; 1000 Genomes Project 0.00020.
gnomAD v4.1: 51 of 1,614,162 alleles (0.0032%); highest among the groups gnomAD compares: East Asian, 0.047%; no homozygotes.

Submission:

CeGaT Center for Human Genetics Tuebingen
Classification: Likely benign. Last evaluated: 2022-03-01. Review status: criteria provided, single submitter. Criteria: CeGaT Center For Human Genetics Tuebingen Variant Classification Criteria Version 2. Collection method: clinical testing. Allele origin: germline. Affected: yes. Observed: 1 variant allele.
Comment: NR1I3: BP4, BS2